The following is an entry in ClinVar:

ClinVar aggregate classification (germline): Likely benign. Review status: criteria provided, multiple submitters, no conflicts (2 of 4 stars). 4 submissions from 4 submitters: Likely benign (4). Last evaluated 2026-04-03.

Conditions:
Hereditary cancer-predisposing syndrome. Also called: Neoplastic Syndromes, Hereditary; Hereditary Cancer Syndrome; Hereditary neoplastic syndrome; Tumor predisposition. Identifiers: Orphanet 140162, MedGen C0027672, MeSH D009386, MONDO:0015356.
Pheochromocytoma/paraganglioma syndrome 4. Also called: CAROTID BODY TUMORS AND MULTIPLE EXTRAADRENAL PHEOCHROMOCYTOMAS; SDHB-Related Hereditary Paraganglioma-Pheochromocytoma Syndrome; Paragangliomas 4; SDHB-Related Hereditary Paraganglioma-Pheochromocytoma Syndrome (Paragangliomas 4); PARAGANGLIOMA, FAMILIAL MALIGNANT; PARAGANGLIOMAS, HEREDITARY EXTRAADRENAL. Identifiers: Orphanet 29072, MedGen C1861848, MONDO:0007273, OMIM 115310.
Gastrointestinal stromal tumor. Also called: Gastrointestinal stromal tumor, somatic; Gastrointestinal stroma tumor. Identifiers: Orphanet 44890, MedGen C0238198, MeSH D046152, MONDO:0011719, OMIM 606764, HP:0100723.
Pheochromocytoma. Also called: MAX-Related Hereditary Paraganglioma-Pheochromocytoma Syndrome. Identifiers: Orphanet 29072, MedGen C0031511, MONDO:0008233, OMIM 171300, HP:0002666.

Allele frequency attached by ClinVar (database versions not stated): TOPMed below 0.00001; gnomAD 0.00002.
gnomAD v4.1: 3 of 1,612,818 alleles (0.00019%); highest among the groups gnomAD compares: African/African-American, 0.004%; no homozygotes.

Submissions (4):

Ambry Genetics
Classification: Likely benign for Hereditary cancer-predisposing syndrome. Last evaluated: 2026-04-03. Review status: criteria provided, single submitter. Criteria: Ambry Variant Classification Scheme 2023. Collection method: clinical testing. Allele origin: germline.

Labcorp Genetics (formerly Invitae), Labcorp
Classification: Likely benign for Gastrointestinal stromal tumor; Pheochromocytoma/paraganglioma syndrome 4; Pheochromocytoma. Last evaluated: 2025-11-24. Review status: criteria provided, single submitter. Criteria: Invitae Variant Classification Sherloc (09022015). Collection method: clinical testing. Allele origin: germline.

Myriad Genetics, Inc.
Classification: Likely benign for Pheochromocytoma/paraganglioma syndrome 4. Last evaluated: 2025-03-12. Review status: criteria provided, single submitter. Criteria: Myriad Autosomal Dominant, Autosomal Recessive and X-Linked Classification Criteria (2023). Collection method: clinical testing. Allele origin: unknown.
Comment: This variant is considered likely benign. This variant is intronic and is not expected to impact mRNA splicing.

ARUP Laboratories, Molecular Genetics and Genomics, ARUP Laboratories
Classification: Likely benign. Last evaluated: 2020-04-01. Review status: criteria provided, single submitter. Criteria: ARUP Molecular Germline Variant Investigation Process. Collection method: clinical testing. Allele origin: germline.

NM_003000.3(SDHB):c.73-11A>C

Gene: SDHB (succinate dehydrogenase complex iron sulfur subunit B; minus strand). Cytogenetic location: 1p36.13.
Variant type: single nucleotide variant.
Coding change: c.73-11A>C on transcript NM_003000.3 (MANE Select); 11 bases into the intron before coding-DNA position 73, A replaced by C.
Molecular consequence: intron variant.
Genome position (GRCh38, 1-based): chr1:17,044,899, T>G on the plus strand (A>C on the coding strand, the complement: SDHB is on the minus strand). VCF-style: chr1-17044899-T-G. GRCh37 (hg19) VCF-style: chr1-17371394-T-G.
Other names: c.73-11A>C (NM_003000.2).
Identifiers: ClinVar variation 995648 (VCV000995648.18), dbSNP rs927103985, ClinGen allele CA18610406.
Genomic context (GRCh38, chr1:17,044,899, plus strand): 5'-TTCTTGATACGGGGAGCTGTGGCTGCAGCTGTCTGGGCTCCTCGGGAGGCCTGAAATTTT[T>G]TAAAGTTCACAAAAAGGAAAAAAAAATTAGAAATACAAGATAATTCCATTTTGCTGGCAC-3'